The following is an entry in ClinVar:

ClinVar aggregate classification (germline): Pathogenic (1 of 4 stars; one submission).

Conditions:
Early-infantile DEE. Also called: Ohtahara syndrome; Early infantile epileptic encephalopathy with suppression bursts; Early infantile epileptic encephalopathy. Identifiers: Orphanet 1934, MedGen C0393706, MONDO:0800491.

Submission:

Labcorp Genetics (formerly Invitae), Labcorp
Classification: Pathogenic for Early-infantile DEE. Last evaluated: 2024-05-27. Review status: criteria provided, single submitter. Criteria: Invitae Variant Classification Sherloc (09022015). Collection method: clinical testing. Allele origin: germline.
Comment: This sequence change creates a premature translational stop signal (p.Tyr753*) in the SCN1A gene. It is expected to result in an absent or disrupted protein product. Loss-of-function variants in SCN1A are known to be pathogenic (PMID: 17347258, 18930999). This variant is not present in population databases (gnomAD no frequency). This premature translational stop signal has been observed in individual(s) with Dravet syndrome (PMID: 28079314). In at least one individual the variant was observed to be de novo. Algorithms developed to predict the effect of sequence changes on RNA splicing suggest that this variant may disrupt the consensus splice site. For these reasons, this variant has been classified as Pathogenic.

Literature cited by the submitters: PubMed 17347258; PubMed 18930999; PubMed 28079314.

NM_001165963.4(SCN1A):c.2259T>G (p.Tyr753Ter)

Gene: SCN1A (sodium voltage-gated channel alpha subunit 1; minus strand). Cytogenetic location: 2q24.3.
Variant type: single nucleotide variant.
Coding change: c.2259T>G on transcript NM_001165963.4 (MANE Select); coding-DNA position 2259, T replaced by G.
Protein change: p.Tyr753Ter; replaces tyrosine 753 with a stop codon.
Molecular consequence: nonsense. On other transcripts: 5 prime UTR variant (1), non-coding transcript variant (1).
Genome position (GRCh38, 1-based): chr2:166,041,387, A>C on the plus strand (T>G on the coding strand, the complement: SCN1A is on the minus strand). VCF-style: chr2-166041387-A-C. GRCh37 (hg19) VCF-style: chr2-166897897-A-C.
Other names: c.2175T>G, p.Tyr725Ter (NM_001165964.3, NM_001353957.2, NM_001353958.2); c.2259T>G, p.Tyr753Ter (NM_001202435.3, NM_001353948.2); c.2226T>G, p.Tyr742Ter (NM_001353949.2, NM_001353950.2, NM_001353951.2 and 2 more transcripts); c.2223T>G, p.Tyr741Ter (NM_001353954.2, NM_001353955.2); c.2172T>G, p.Tyr724Ter (NM_001353960.2); c.-200T>G (NM_001353961.2); short protein forms Y753*, Y742*, Y741*, Y725*, Y724*.
Identifiers: ClinVar variation 3720374 (VCV003720374.2).